The following is an entry in ClinVar:

NM_001322934.2(NFKB2):c.1214C>T (p.Ala405Val)

Genes: NFKB2 (nuclear factor kappa B subunit 2; plus strand), LOC130004599 (ATAC-STARR-seq lymphoblastoid silent region 2756; plus strand). Cytogenetic location: 10q24.32.
Variant type: single nucleotide variant.
Coding change: c.1214C>T on transcript NM_001322934.2 (MANE Select); coding-DNA position 1214, C replaced by T.
Protein change: p.Ala405Val; replaces alanine 405 with valine.
Molecular consequence: missense variant.
Genome position (GRCh38, 1-based): chr10:102,399,384, C>T. VCF-style: chr10-102399384-C-T. GRCh37 (hg19) VCF-style: chr10-104159141-C-T.
Other names: c.1214C>T, p.Ala405Val (NM_001077494.3, NM_001261403.3, NM_001288724.1 and 1 more transcripts); c.1088C>T, p.Ala363Val (NM_001322935.1); short protein forms A363V, A405V.
Identifiers: ClinVar variation 841570 (VCV000841570.10), dbSNP rs773329863, ClinGen allele CA377898954.
Genomic context (GRCh38, chr10:102,399,384, plus strand): 5'-ACAGCCCCTACCAGTCCGGCGCGGGCCCCATGGGCTGCTACCCGGGAGGCGGGGGCGGGG[C>T]GCAGATGGCCGCCACGGTGCCCAGCAGGGACTCCGGGGAGGAAGCCGCGGAGCCAAGCGC-3'
Protein context (NP_001309863.1, residues 395-415): MGCYPGGGGG[Ala405Val]QMAATVPSRD

ClinVar aggregate classification (germline): Uncertain significance (1 of 4 stars; one submission).

Conditions:
Immunodeficiency, common variable, 10. Also called: IMMUNODEFICIENCY, COMMON VARIABLE, WITH CENTRAL ADRENAL INSUFFICIENCY; DEFICIT IN ANTERIOR PITUITARY FUNCTION AND VARIABLE IMMUNODEFICIENCY. Identifiers: MedGen C3809991, MONDO:0014260, OMIM 615577.

Allele frequency attached by ClinVar (database versions not stated): TOPMed below 0.00001.
gnomAD v4.1: 2 of 1,541,760 alleles (0.00013%); highest among the groups gnomAD compares: Non-Finnish European, 0.000087%; no homozygotes.

Submission:

Labcorp Genetics (formerly Invitae), Labcorp
Classification: Uncertain significance for Immunodeficiency, common variable, 10. Last evaluated: 2022-08-09. Review status: criteria provided, single submitter. Criteria: Invitae Variant Classification Sherloc (09022015). Collection method: clinical testing. Allele origin: germline.
Comment: This variant is not present in population databases (gnomAD no frequency). In summary, the available evidence is currently insufficient to determine the role of this variant in disease. Therefore, it has been classified as a Variant of Uncertain Significance. Algorithms developed to predict the effect of missense changes on protein structure and function output the following: SIFT: "Tolerated"; PolyPhen-2: "Benign"; Align-GVGD: "Class C0". The valine amino acid residue is found in multiple mammalian species, which suggests that this missense change does not adversely affect protein function. ClinVar contains an entry for this variant (Variation ID: 841570). This variant has not been reported in the literature in individuals affected with NFKB2-related conditions. This sequence change replaces alanine, which is neutral and non-polar, with valine, which is neutral and non-polar, at codon 405 of the NFKB2 protein (p.Ala405Val).